The following is an entry in ClinVar:

ClinVar aggregate classification (germline): Uncertain significance (1 of 4 stars; one submission).

Allele frequency attached by ClinVar (database versions not stated): TOPMed below 0.00001; gnomAD 0.00001; gnomAD exomes 0.00002; ESP Exome Variant Server 0.00008.
gnomAD v4.1: 31 of 1,611,004 alleles (0.0019%); highest among the groups gnomAD compares: Non-Finnish European, 0.0025%; no homozygotes.

Submission:

Labcorp Genetics (formerly Invitae), Labcorp
Classification: Uncertain significance. Last evaluated: 2022-03-21. Review status: criteria provided, single submitter. Criteria: Invitae Variant Classification Sherloc (09022015). Collection method: clinical testing. Allele origin: germline.
Comment: This variant has not been reported in the literature in individuals affected with SLC25A42-related conditions. In summary, the available evidence is currently insufficient to determine the role of this variant in disease. Therefore, it has been classified as a Variant of Uncertain Significance. Algorithms developed to predict the effect of missense changes on protein structure and function (SIFT, PolyPhen-2, Align-GVGD) all suggest that this variant is likely to be disruptive. This variant is present in population databases (rs372199103, gnomAD 0.003%). This sequence change replaces proline, which is neutral and non-polar, with leucine, which is neutral and non-polar, at codon 199 of the SLC25A42 protein (p.Pro199Leu).

NM_178526.5(SLC25A42):c.596C>T (p.Pro199Leu)

Gene: SLC25A42 (solute carrier family 25 member 42; plus strand). Cytogenetic location: 19p13.11.
Variant type: single nucleotide variant.
Coding change: c.596C>T on transcript NM_178526.5 (MANE Select); coding-DNA position 596, C replaced by T.
Protein change: p.Pro199Leu; replaces proline 199 with leucine.
Molecular consequence: missense variant.
Genome position (GRCh38, 1-based): chr19:19,107,992, C>T. VCF-style: chr19-19107992-C-T. GRCh37 (hg19) VCF-style: chr19-19218801-C-T.
Other names: c.596C>T, p.Pro199Leu (NM_001321544.2); short protein forms P199L.
Identifiers: ClinVar variation 1920571 (VCV001920571.4), dbSNP rs372199103, ClinGen allele CA306289648.